The following is an entry in ClinVar:

NM_016521.3(TFDP3):c.670C>T (p.Gln224Ter)

Gene: TFDP3 (transcription factor Dp family member 3; minus strand). Cytogenetic location: Xq26.2.
Variant type: single nucleotide variant.
Coding change: c.670C>T on transcript NM_016521.3 (MANE Select); coding-DNA position 670, C replaced by T.
Protein change: p.Gln224Ter; replaces glutamine 224 with a stop codon.
Molecular consequence: nonsense.
Genome position (GRCh38, 1-based): chrX:133,217,590, G>A on the plus strand (C>T on the coding strand, the complement: TFDP3 is on the minus strand). VCF-style: chrX-133217590-G-A. GRCh37 (hg19) VCF-style: chrX-132351618-G-A.
Other names: short protein forms Q224*.
Identifiers: ClinVar variation 4873996 (VCV004873996.2).
Genomic context (GRCh38, chrX:133,217,590, plus strand): 5'-GGCTGACCTGCTCCTCCACATACTGGTTTCTCAGCACCAGGTTCTTGAAAGCAATTTGCT[G>A]TAGAATAAGTTGTTGAAGTTCAGACTGTTTCTGCTTTATTCTTTCAAGTCTCTTCTGTCT-3'

ClinVar aggregate classification (germline): Likely benign (1 of 4 stars; one submission).

Submission:

CeGaT Center for Human Genetics Tuebingen
Classification: Likely benign. Last evaluated: 2026-06-01. Review status: criteria provided, single submitter. Criteria: CeGaT Center For Human Genetics Tuebingen Variant Classification Criteria Version 2. Collection method: clinical testing. Allele origin: germline. Affected: yes. Observed: 1 variant allele.
Comment: TFDP3: BS2